The following is an entry in ClinVar:

ClinVar aggregate classification (germline): Uncertain significance (1 of 4 stars; one submission).

Submission:

GeneDx
Classification: Uncertain significance. Last evaluated: 2023-02-09. Review status: criteria provided, single submitter. Criteria: GeneDx Variant Classification Process June 2021. Collection method: clinical testing. Allele origin: germline. Affected: yes.
Comment: Not observed at significant frequency in large population cohorts (gnomAD); In silico analysis supports that this missense variant does not alter protein structure/function; In silico analysis is inconclusive as to whether the variant alters gene splicing. In the absence of RNA/functional studies, the actual effect of this sequence change is unknown.; Has not been previously published as pathogenic or benign to our knowledge

NM_177438.3(DICER1):c.3270A>T (p.Arg1090Ser)

Gene: DICER1 (dicer 1, ribonuclease III; minus strand). Cytogenetic location: 14q32.13.
Variant type: single nucleotide variant.
Coding change: c.3270A>T on transcript NM_177438.3 (MANE Select); coding-DNA position 3270, A replaced by T.
Protein change: p.Arg1090Ser; replaces arginine 1090 with serine.
Molecular consequence: missense variant. On other transcripts: non-coding transcript variant (4).
Genome position (GRCh38, 1-based): chr14:95,104,126, T>A on the plus strand (A>T on the coding strand, the complement: DICER1 is on the minus strand). VCF-style: chr14-95104126-T-A. GRCh37 (hg19) VCF-style: chr14-95570463-T-A.
Other names: c.3270A>T, p.Arg1090Ser (NM_001195573.1, NM_001271282.3, NM_001291628.2 and 13 more transcripts); c.2988A>T, p.Arg996Ser (NM_001395686.1); c.2865A>T, p.Arg955Ser (NM_001395687.1, NM_001395688.1, NM_001395689.1 and 2 more transcripts); c.2703A>T, p.Arg901Ser (NM_001395691.1); c.1587A>T, p.Arg529Ser (NM_001395697.1); short protein forms R1090S, R529S, R901S, R955S, R996S.
Identifiers: ClinVar variation 2575731 (VCV002575731.1), dbSNP rs1262516728, ClinGen allele CA390876140.